The following is an entry in ClinVar:

NM_152383.5(DIS3L2):c.2421C>G (p.Phe807Leu)

Gene: DIS3L2 (DIS3 like 3'-5' exoribonuclease 2; plus strand). Cytogenetic location: 2q37.1.
Variant type: single nucleotide variant.
Coding change: c.2421C>G on transcript NM_152383.5 (MANE Select); coding-DNA position 2421, C replaced by G.
Protein change: p.Phe807Leu; replaces phenylalanine 807 with leucine.
Molecular consequence: missense variant. On other transcripts: non-coding transcript variant (2), intron variant (1).
Genome position (GRCh38, 1-based): chr2:232,335,799, C>G. VCF-style: chr2-232335799-C-G. GRCh37 (hg19) VCF-style: chr2-233200509-C-G.
Other names: c.1582-7546C>G (NM_001257281.2); short protein forms F807L.
Identifiers: ClinVar variation 410768 (VCV000410768.7), dbSNP rs757128931, ClinGen allele CA2164547.
Genomic context (GRCh38, chr2:232,335,799, plus strand): 5'-AGCTGAGGCCTGAGGCTTGGTGTTTGCACTCCAGGCACTGGCCCTGCGGTCCCACCACTT[C>G]CAGAAGGTGGGCAAGAAGCCGGAACTCACGCTGGTCTGGGAGCCTGAGGACATGGAGCAG-3'
Protein context (NP_689596.4, residues 797-817): CNALALRSHH[Phe807Leu]QKVGKKPELT

ClinVar aggregate classification (germline): Uncertain significance. Review status: criteria provided, multiple submitters, no conflicts (2 of 4 stars). 2 submissions from 2 submitters: Uncertain significance (2). Last evaluated 2025-08-03.

Conditions:
Inborn genetic diseases. Identifiers: MedGen C0950123, MeSH D030342.
Perlman syndrome (PRLMNS). Identifiers: Orphanet 2849, MedGen C0796113, MONDO:0009965, OMIM 267000.

Allele frequency attached by ClinVar (database versions not stated): ExAC below 0.00001; gnomAD 0.00001; gnomAD exomes 0.00001; TOPMed 0.00002.
gnomAD v4.1: 24 of 1,550,570 alleles (0.0015%); highest among the groups gnomAD compares: Non-Finnish European, 0.0018%; no homozygotes.

Submissions (2):

Labcorp Genetics (formerly Invitae), Labcorp
Classification: Uncertain significance for Perlman syndrome. Last evaluated: 2025-08-03. Review status: criteria provided, single submitter. Criteria: Invitae Variant Classification Sherloc (09022015). Collection method: clinical testing. Allele origin: germline.
Comment: This sequence change replaces phenylalanine, which is neutral and non-polar, with leucine, which is neutral and non-polar, at codon 807 of the DIS3L2 protein (p.Phe807Leu). This variant is present in population databases (rs757128931, gnomAD 0.003%). This variant has not been reported in the literature in individuals affected with DIS3L2-related conditions. ClinVar contains an entry for this variant (Variation ID: 410768). Invitae Evidence Modeling of protein sequence and biophysical properties (such as structural, functional, and spatial information, amino acid conservation, physicochemical variation, residue mobility, and thermodynamic stability) indicates that this missense variant is not expected to disrupt DIS3L2 protein function with a negative predictive value of 80%. In summary, the available evidence is currently insufficient to determine the role of this variant in disease. Therefore, it has been classified as a Variant of Uncertain Significance.

Ambry Genetics
Classification: Uncertain significance for Inborn genetic diseases. Last evaluated: 2025-06-19. Review status: criteria provided, single submitter. Criteria: Ambry Variant Classification Scheme 2023. Collection method: clinical testing. Allele origin: germline.